The following is an entry in ClinVar:

NM_003242.6(TGFBR2):c.1576G>C (p.Glu526Gln)

Gene: TGFBR2 (transforming growth factor beta receptor 2; plus strand). Cytogenetic location: 3p24.1.
Variant type: single nucleotide variant.
Coding change: c.1576G>C on transcript NM_003242.6 (MANE Select); coding-DNA position 1576, G replaced by C.
Protein change: p.Glu526Gln; replaces glutamic acid 526 with glutamine.
Molecular consequence: missense variant.
Genome position (GRCh38, 1-based): chr3:30,691,471, G>C. VCF-style: chr3-30691471-G-C. GRCh37 (hg19) VCF-style: chr3-30732963-G-C.
Other names: c.1651G>C, p.Glu551Gln (NM_001024847.3); c.1759G>C, p.Glu587Gln (NM_001407126.1); c.1684G>C, p.Glu562Gln (NM_001407127.1); c.1603G>C, p.Glu535Gln (NM_001407128.1); c.1579G>C, p.Glu527Gln (NM_001407129.1); c.1573G>C, p.Glu525Gln (NM_001407130.1); c.1471G>C, p.Glu491Gln (NM_001407132.1, NM_001407133.1, NM_001407134.1 and 2 more transcripts); c.1291G>C, p.Glu431Gln (NM_001407137.1); and 2 more; short protein forms E526Q, E551Q, E236Q, E431Q, E491Q, E525Q, E587Q, E562Q.
Identifiers: ClinVar variation 12503 (VCV000012503.8), dbSNP rs121918714, ClinGen allele CA020721.
Genomic context (GRCh38, chr3:30,691,471, plus strand): 5'-CCGCTACAGGGCATCCAGATGGTGTGTGAGACGTTGACTGAGTGCTGGGACCACGACCCA[G>C]AGGCCCGTCTCACAGCCCAGTGTGTGGCAGAACGCTTCAGTGAGCTGGAGCATCTGGACA-3'
Protein context (NP_003233.4, residues 516-536): TLTECWDHDP[Glu526Gln]ARLTAQCVAE

ClinVar aggregate classification (germline): Pathogenic. Review status: criteria provided, single submitter (1 of 4 stars). 2 submissions from 2 submitters: Pathogenic (1). 1 of the submissions does not count toward it. Last evaluated 2023-05-24.

Conditions:
Familial thoracic aortic aneurysm and aortic dissection (TAAD). Also called: Thoracic aortic aneurysms and dissections. Identifiers: Orphanet 91387, MedGen C4707243, MONDO:0019625.
Malignant tumor of esophagus. Also called: Esophageal cancer; Esophageal cancer, somatic. Identifiers: Orphanet 99977, MedGen C0546837, MONDO:0007576, OMIM 133239.

Submissions (2):

Labcorp Genetics (formerly Invitae), Labcorp
Classification: Pathogenic for Familial thoracic aortic aneurysm and aortic dissection. Last evaluated: 2023-05-24. Review status: criteria provided, single submitter. Criteria: Invitae Variant Classification Sherloc (09022015). Collection method: clinical testing. Allele origin: germline.
Comment: This sequence change replaces glutamic acid, which is acidic and polar, with glutamine, which is neutral and polar, at codon 526 of the TGFBR2 protein (p.Glu526Gln). This variant is not present in population databases (gnomAD no frequency). This missense change has been observed in individual(s) with clinical features of Loeys-Dietz syndrome (Invitae). In at least one individual the variant was observed to be de novo. ClinVar contains an entry for this variant (Variation ID: 12503). Advanced modeling performed at Invitae incorporating data from internal and/or published experimental studies (Invitae) indicates that this missense variant is expected to disrupt TGFBR2 function. Experimental studies have shown that this missense change affects TGFBR2 function (PMID: 7664267, 10789724, 18339844). For these reasons, this variant has been classified as Pathogenic.

OMIM
Classification: Pathogenic for ESOPHAGEAL CANCER, SOMATIC. Last evaluated: 2000-05-01. Review status: no assertion criteria provided. Collection method: literature only. Allele origin: somatic. Not counted in ClinVar's aggregate classification.

Literature cited by the submitters: PubMed 7664267 (cited by Labcorp Genetics (formerly Invitae), Labcorp); PubMed 10789724 (cited by Labcorp Genetics (formerly Invitae), Labcorp and OMIM); PubMed 18339844 (cited by Labcorp Genetics (formerly Invitae), Labcorp).